The following is an entry in ClinVar:

ClinVar aggregate classification (germline): Pathogenic (1 of 4 stars; one submission).

Conditions:
Parathyroid carcinoma (PRTC). Also called: Parathyroid gland carcinoma; CDC73-Related Parathyroid Carcinoma. Identifiers: Orphanet 143, MedGen C0687150, MONDO:0012004, OMIM 608266, HP:0006780.

Submission:

Labcorp Genetics (formerly Invitae), Labcorp
Classification: Pathogenic for Parathyroid carcinoma. Last evaluated: 2022-04-01. Review status: criteria provided, single submitter. Criteria: Invitae Variant Classification Sherloc (09022015). Collection method: clinical testing. Allele origin: germline.
Comment: This variant is not present in population databases (gnomAD no frequency). This sequence change creates a premature translational stop signal (p.Thr235Asnfs*32) in the CDC73 gene. It is expected to result in an absent or disrupted protein product. Loss-of-function variants in CDC73 are known to be pathogenic (PMID: 12434154). This variant has not been reported in the literature in individuals affected with CDC73-related conditions. For these reasons, this variant has been classified as Pathogenic.

Literature cited by the submitters: PubMed 12434154.

NM_024529.5(CDC73):c.701dup (p.Thr235fs)

Gene: CDC73 (cell division cycle 73; plus strand). Cytogenetic location: 1q31.2.
Variant type: Duplication.
Coding change: c.701dup on transcript NM_024529.5 (MANE Select); coding-DNA position 701, one base duplicated (G; older notation c.701dupG).
Protein change: p.Thr235fs; shifts the reading frame from threonine 235.
Molecular consequence: frameshift variant.
Genome position (GRCh38, 1-based): chr1:193,142,038, G duplicated. VCF-style (leftmost placement, unchanged base first): chr1-193142037-C-CG. GRCh37 (hg19) VCF-style: chr1-193111167-C-CG.
Other names: short protein forms T235fs.
Identifiers: ClinVar variation 2120128 (VCV002120128.4), dbSNP rs2527324879, ClinGen allele CA2580061765.